The following is an entry in ClinVar:

ClinVar aggregate classification (germline): Likely benign. Review status: criteria provided, multiple submitters, no conflicts (2 of 4 stars). 4 submissions from 4 submitters: Likely benign (4). Last evaluated 2026-09-15.

Conditions:
USH1C-related disorder. Also called: USH1C-related condition.

Allele frequency attached by ClinVar (database versions not stated): ExAC below 0.00001; TOPMed 0.00002; gnomAD 0.00003; gnomAD exomes 0.00003 and 0.00005.
gnomAD v4.1: 39 of 1,556,658 alleles (0.0025%); highest among the groups gnomAD compares: Admixed American, 0.011%; no homozygotes.

Submissions (4):

PreventionGenetics, part of Exact Sciences
Classification: Likely benign for USH1C-related condition. Last evaluated: 2026-09-15. Review status: criteria provided, single submitter. Criteria: ACMG Guidelines, 2015. Collection method: clinical testing. Allele origin: germline.
Comment: This variant is classified as likely benign based on ACMG/AMP sequence variant interpretation guidelines (Richards et al. 2015 PMID: 25741868, with internal and published modifications).

Labcorp Genetics (formerly Invitae), Labcorp
Classification: Likely benign. Last evaluated: 2025-10-14. Review status: criteria provided, single submitter. Criteria: Invitae Variant Classification Sherloc (09022015). Collection method: clinical testing. Allele origin: germline.

Blueprint Genetics
Classification: Likely benign. Last evaluated: 2024-11-04. Review status: criteria provided, single submitter. Criteria: ACMG Guidelines, 2015. Collection method: clinical testing. Allele origin: germline.

Laboratory for Molecular Medicine, Mass General Brigham Personalized Medicine
Classification: Likely benign. Last evaluated: 2017-05-02. Review status: criteria provided, single submitter. Criteria: LMM Criteria. Collection method: clinical testing. Allele origin: germline. Observed: 1 variant allele.
Comment: c.675-4G>A in intron 8 of USH1C: This variant is not expected to have clinical s ignificance because it is not located within the splice consensus sequence. It h as been identified in 1/14978 European chromosomes by the Genome Aggregation Dat abase (gnomAD; dbSNP rs550964012).

NM_153676.4(USH1C):c.675-4G>A

Gene: USH1C (USH1 protein network component harmonin; minus strand). Cytogenetic location: 11p15.1.
Variant type: single nucleotide variant.
Coding change: c.675-4G>A on transcript NM_153676.4 (MANE Select); 4 bases into the intron before coding-DNA position 675, G replaced by A.
Molecular consequence: intron variant.
Genome position (GRCh38, 1-based): chr11:17,524,539, C>T on the plus strand (G>A on the coding strand, the complement: USH1C is on the minus strand). VCF-style: chr11-17524539-C-T. GRCh37 (hg19) VCF-style: chr11-17546086-C-T.
Other names: c.675-4G>A (NM_001297764.2, NM_005709.4).
Identifiers: ClinVar variation 505758 (VCV000505758.17), dbSNP rs550964012, ClinGen allele CA5904912.